The following is an entry in ClinVar:

ClinVar aggregate classification (germline): Pathogenic/Likely pathogenic. Review status: criteria provided, multiple submitters, no conflicts (2 of 4 stars). 2 submissions from 2 submitters: Pathogenic (1); Likely pathogenic (1). Last evaluated 2023-07-28.

Conditions:
Microcephaly 2, primary, autosomal recessive, with or without cortical malformations. Also called: WDR62 Primary Microcephaly; MICROCEPHALY 2, PRIMARY, AUTOSOMAL RECESSIVE, WITH CORTICAL MALFORMATIONS. Identifiers: Orphanet 2512, MedGen C1858535, MONDO:0011435, OMIM 604317.

Submissions (2):

3billion
Classification: Pathogenic for Microcephaly 2, primary, autosomal recessive, with or without cortical malformations. Last evaluated: 2023-07-28. Review status: criteria provided, single submitter. Criteria: ACMG Guidelines, 2015. Collection method: clinical testing. Allele origin: germline. Affected: yes.
Comment: The variant is not observed in the gnomAD v2.1.1 dataset. Predicted Consequence/Location: Stop-gained (nonsense): predicted to result in a loss or disruption of normal protein function through nonsense-mediated decay (NMD) or protein truncation. Multiple pathogenic variants are reported downstream of the variant. The variant has been reported to be associated with WDR62 related disorder (ClinVar ID: VCV002434642). Therefore, this variant is classified as Pathogenic according to the recommendation of ACMG/AMP guideline.

Revvity Omics, Revvity
Classification: Likely pathogenic for Microcephaly 2, primary, autosomal recessive, with or without cortical malformations. Last evaluated: 2022-04-25. Review status: criteria provided, single submitter. Criteria: ACMG Guidelines, 2015. Collection method: clinical testing. Allele origin: germline.

NM_001083961.2(WDR62):c.3322C>T (p.Gln1108Ter)

Gene: WDR62 (WD repeat domain 62; plus strand). Cytogenetic location: 19q13.12.
Variant type: single nucleotide variant.
Coding change: c.3322C>T on transcript NM_001083961.2 (MANE Select); coding-DNA position 3322, C replaced by T.
Protein change: p.Gln1108Ter; replaces glutamine 1108 with a stop codon.
Molecular consequence: nonsense.
Genome position (GRCh38, 1-based): chr19:36,102,838, C>T. VCF-style: chr19-36102838-C-T. GRCh37 (hg19) VCF-style: chr19-36593740-C-T.
Other names: c.3307C>T, p.Gln1103Ter (NM_001411145.1, NM_173636.5); c.3073C>T, p.Gln1025Ter (NM_001411146.1); c.2971C>T, p.Gln991Ter (NM_001411147.1); short protein forms Q1025*, Q1103*, Q1108*, Q991*.
Identifiers: ClinVar variation 2434642 (VCV002434642.4), dbSNP rs1193422410, ClinGen allele CA405452182.